The following is an entry in ClinVar:

ClinVar aggregate classification (germline): Uncertain significance. Review status: criteria provided, multiple submitters, no conflicts (2 of 4 stars). 2 submissions from 2 submitters: Uncertain significance (2). Last evaluated 2025-06-19.

Conditions:
SLC2A9-related disorder. Also called: SLC2A9-related condition.
Inborn genetic diseases. Identifiers: MedGen C0950123, MeSH D030342.

Allele frequency attached by ClinVar (database versions not stated): gnomAD exomes 0.00001; ExAC 0.00002; gnomAD 0.00006; ESP Exome Variant Server 0.00015.
gnomAD v4.1: 25 of 1,614,030 alleles (0.0015%); highest among the groups gnomAD compares: African/African-American, 0.012%; no homozygotes.

Submissions (2):

Ambry Genetics
Classification: Uncertain significance for Inborn genetic diseases. Last evaluated: 2025-06-19. Review status: criteria provided, single submitter. Criteria: Ambry Variant Classification Scheme 2023. Collection method: clinical testing. Allele origin: germline.

PreventionGenetics, part of Exact Sciences
Classification: Uncertain significance for SLC2A9-related condition. Last evaluated: 2025-05-09. Review status: criteria provided, single submitter. Criteria: ACMG Guidelines, 2015. Collection method: clinical testing. Allele origin: germline.
Comment: The SLC2A9 c.770G>A variant is predicted to result in the amino acid substitution p.Arg257His. To our knowledge, this variant has not been reported in the literature. This variant is reported in 0.012% of alleles in individuals of African descent in gnomAD. At this time, the clinical significance of this variant is uncertain due to the absence of conclusive functional and genetic evidence.

NM_020041.3(SLC2A9):c.770G>A (p.Arg257His)

Gene: SLC2A9 (solute carrier family 2 member 9; minus strand). Cytogenetic location: 4p16.1.
Variant type: single nucleotide variant.
Coding change: c.770G>A on transcript NM_020041.3 (MANE Select); coding-DNA position 770, G replaced by A.
Protein change: p.Arg257His; replaces arginine 257 with histidine.
Molecular consequence: missense variant.
Genome position (GRCh38, 1-based): chr4:9,941,957, C>T on the plus strand (G>A on the coding strand, the complement: SLC2A9 is on the minus strand). VCF-style: chr4-9941957-C-T. GRCh37 (hg19) VCF-style: chr4-9943581-C-T.
Other names: c.683G>A, p.Arg228His (NM_001001290.2); short protein forms R257H, R228H.
Identifiers: ClinVar variation 2342075 (VCV002342075.4), dbSNP rs367643471, ClinGen allele CA2857101.